The following is an entry in ClinVar:

NM_000384.3(APOB):c.2549C>T (p.Ser850Leu)

Gene: APOB (apolipoprotein B; minus strand). Cytogenetic location: 2p24.1.
Variant type: single nucleotide variant.
Coding change: c.2549C>T on transcript NM_000384.3 (MANE Select); coding-DNA position 2549, C replaced by T.
Protein change: p.Ser850Leu; replaces serine 850 with leucine.
Molecular consequence: missense variant.
Genome position (GRCh38, 1-based): chr2:21,023,580, G>A on the plus strand (C>T on the coding strand, the complement: APOB is on the minus strand). VCF-style: chr2-21023580-G-A. GRCh37 (hg19) VCF-style: chr2-21246452-G-A.
Other names: short protein forms S850L.
Identifiers: ClinVar variation 4613644 (VCV004613644.1).

ClinVar aggregate classification (germline): Uncertain significance (1 of 4 stars; one submission).

Conditions:
Cardiovascular phenotype. Identifiers: MedGen CN230736.

gnomAD v4.1: 3 of 1,614,200 alleles (0.00019%); highest among the groups gnomAD compares: East Asian, 0.0022%; no homozygotes.

Submission:

Ambry Genetics
Classification: Uncertain significance for Cardiovascular phenotype. Last evaluated: 2025-09-21. Review status: criteria provided, single submitter. Criteria: Ambry Variant Classification Scheme 2023. Collection method: clinical testing. Allele origin: germline.
Comment: The p.S850L variant (also known as c.2549C>T), located in coding exon 17 of the APOB gene, results from a C to T substitution at nucleotide position 2549. The serine at codon 850 is replaced by leucine, an amino acid with dissimilar properties. This amino acid position is conserved. In addition, this alteration is predicted to be tolerated by in silico analysis. Based on the available evidence, the clinical significance of this variant remains unclear.